The following is an entry in ClinVar:

ClinVar aggregate classification (germline): Uncertain significance (1 of 4 stars; one submission).

Allele frequency attached by ClinVar (database versions not stated): gnomAD exomes below 0.00001; TOPMed below 0.00001.
gnomAD v4.1: 3 of 1,614,054 alleles (0.00019%); highest among the groups gnomAD compares: Non-Finnish European, 0.00017%; no homozygotes.

Submission:

Labcorp Genetics (formerly Invitae), Labcorp
Classification: Uncertain significance. Last evaluated: 2022-12-22. Review status: criteria provided, single submitter. Criteria: Invitae Variant Classification Sherloc (09022015). Collection method: clinical testing. Allele origin: germline.
Comment: In summary, the available evidence is currently insufficient to determine the role of this variant in disease. Therefore, it has been classified as a Variant of Uncertain Significance. Advanced modeling of protein sequence and biophysical properties (such as structural, functional, and spatial information, amino acid conservation, physicochemical variation, residue mobility, and thermodynamic stability) performed at Invitae indicates that this missense variant is expected to disrupt ACO2 protein function. This variant has not been reported in the literature in individuals affected with ACO2-related conditions. This variant is not present in population databases (gnomAD no frequency). This sequence change replaces arginine, which is basic and polar, with histidine, which is basic and polar, at codon 564 of the ACO2 protein (p.Arg564His).

NM_001098.3(ACO2):c.1691G>A (p.Arg564His)

Genes: ACO2 (aconitase 2; plus strand), LOC130067544 (ATAC-STARR-seq lymphoblastoid active region 19118; plus strand). Cytogenetic location: 22q13.2.
Variant type: single nucleotide variant.
Coding change: c.1691G>A on transcript NM_001098.3 (MANE Select); coding-DNA position 1691, G replaced by A.
Protein change: p.Arg564His; replaces arginine 564 with histidine.
Molecular consequence: missense variant.
Genome position (GRCh38, 1-based): chr22:41,525,278, G>A. VCF-style: chr22-41525278-G-A. GRCh37 (hg19) VCF-style: chr22-41921282-G-A.
Other names: short protein forms R564H.
Identifiers: ClinVar variation 2823026 (VCV002823026.3), dbSNP rs2066571278, ClinGen allele CA411727734.